The following is an entry in ClinVar:

ClinVar aggregate classification (germline): Likely benign. Review status: criteria provided, multiple submitters, no conflicts (2 of 4 stars). 2 submissions from 2 submitters: Likely benign (2). Last evaluated 2026-08-25.

Conditions:
USH1C-related disorder. Also called: USH1C-related condition.

Allele frequency attached by ClinVar (database versions not stated): gnomAD exomes 0.00001 and 0.00008; TOPMed 0.00002; ExAC 0.00005; gnomAD 0.00006.
gnomAD v4.1: 31 of 1,614,106 alleles (0.0019%); highest among the groups gnomAD compares: East Asian, 0.042%; no homozygotes.

Submissions (2):

PreventionGenetics, part of Exact Sciences
Classification: Likely benign for USH1C-related condition. Last evaluated: 2026-08-25. Review status: criteria provided, single submitter. Criteria: ACMG Guidelines, 2015. Collection method: clinical testing. Allele origin: germline.
Comment: This variant is classified as likely benign based on ACMG/AMP sequence variant interpretation guidelines (Richards et al. 2015 PMID: 25741868, with internal and published modifications).

Labcorp Genetics (formerly Invitae), Labcorp
Classification: Likely benign. Last evaluated: 2019-12-05. Review status: criteria provided, single submitter. Criteria: Invitae Variant Classification Sherloc (09022015). Collection method: clinical testing. Allele origin: germline.

NM_153676.4(USH1C):c.1353A>G (p.Lys451=)

Gene: USH1C (USH1 protein network component harmonin; minus strand). Cytogenetic location: 11p15.1.
Variant type: single nucleotide variant.
Coding change: c.1353A>G on transcript NM_153676.4 (MANE Select); coding-DNA position 1353, A replaced by G.
Protein change: p.Lys451=; no amino-acid change (lysine 451 retained).
Molecular consequence: synonymous variant. On other transcripts: intron variant (2).
Genome position (GRCh38, 1-based): chr11:17,511,962, T>C on the plus strand (A>G on the coding strand, the complement: USH1C is on the minus strand). VCF-style: chr11-17511962-T-C. GRCh37 (hg19) VCF-style: chr11-17533509-T-C.
Other names: c.1353A>G (NM_153676.3); c.1227+5439A>G (NM_001297764.2); c.1284+5439A>G (NM_005709.4).
Identifiers: ClinVar variation 792519 (VCV000792519.9), dbSNP rs756818011, ClinGen allele CA5904598.